The following is an entry in ClinVar:

ClinVar aggregate classification (germline): Uncertain significance (1 of 4 stars; one submission).

Allele frequency attached by ClinVar (database versions not stated): ExAC 0.00001; gnomAD 0.00001 and 0.00003; gnomAD exomes 0.00001; TOPMed 0.00003; 1000 Genomes Project 30x 0.00016; 1000 Genomes Project 0.00020.
gnomAD v4.1: 53 of 1,613,782 alleles (0.0033%); highest among the groups gnomAD compares: South Asian, 0.02%; 1 homozygote.

Submission:

Labcorp Genetics (formerly Invitae), Labcorp
Classification: Uncertain significance. Last evaluated: 2022-07-06. Review status: criteria provided, single submitter. Criteria: Invitae Variant Classification Sherloc (09022015). Collection method: clinical testing. Allele origin: germline.
Comment: This sequence change replaces valine, which is neutral and non-polar, with isoleucine, which is neutral and non-polar, at codon 2348 of the HTT protein (p.Val2348Ile). This variant is present in population databases (rs576032337, gnomAD 0.007%). This variant has not been reported in the literature in individuals affected with HTT-related conditions. ClinVar contains an entry for this variant (Variation ID: 1469099). Experimental studies and prediction algorithms are not available or were not evaluated, and the functional significance of this variant is currently unknown. In summary, the available evidence is currently insufficient to determine the role of this variant in disease. Therefore, it has been classified as a Variant of Uncertain Significance.

NM_001388492.1(HTT):c.7036G>A (p.Val2346Ile)

Gene: HTT (huntingtin; plus strand). Cytogenetic location: 4p16.3.
Variant type: single nucleotide variant.
Coding change: c.7036G>A on transcript NM_001388492.1 (MANE Select); coding-DNA position 7036, G replaced by A.
Protein change: p.Val2346Ile; replaces valine 2346 with isoleucine.
Molecular consequence: missense variant.
Genome position (GRCh38, 1-based): chr4:3,215,193, G>A. VCF-style: chr4-3215193-G-A. GRCh37 (hg19) VCF-style: chr4-3216920-G-A.
Other names: c.7042G>A, p.Val2348Ile (NM_002111.8); short protein forms V2346I, V2348I.
Identifiers: ClinVar variation 1469099 (VCV001469099.3), dbSNP rs576032337, ClinGen allele CA2825223.